The following is an entry in ClinVar:

NM_000632.4(ITGAM):c.1531G>A (p.Gly511Arg)

Gene: ITGAM (integrin subunit alpha M; plus strand). Cytogenetic location: 16p11.2.
Variant type: single nucleotide variant.
Coding change: c.1531G>A on transcript NM_000632.4 (MANE Select); coding-DNA position 1531, G replaced by A.
Protein change: p.Gly511Arg; replaces glycine 511 with arginine.
Molecular consequence: missense variant.
Genome position (GRCh38, 1-based): chr16:31,297,778, G>A. VCF-style: chr16-31297778-G-A. GRCh37 (hg19) VCF-style: chr16-31309099-G-A.
Other names: c.1534G>A, p.Gly512Arg (NM_001145808.2); short protein forms G511R, G512R.
Identifiers: ClinVar variation 2084776 (VCV002084776.4), dbSNP rs565499043, ClinGen allele CA8025597.

ClinVar aggregate classification (germline): Uncertain significance (1 of 4 stars; one submission).

Allele frequency attached by ClinVar (database versions not stated): gnomAD 0.00001; ExAC 0.00002; gnomAD exomes 0.00002; 1000 Genomes Project 0.00020; 1000 Genomes Project 30x 0.00031.
gnomAD v4.1: 24 of 1,603,974 alleles (0.0015%); highest among the groups gnomAD compares: Non-Finnish European, 0.0019%; no homozygotes.

Submission:

Labcorp Genetics (formerly Invitae), Labcorp
Classification: Uncertain significance. Last evaluated: 2025-07-30. Review status: criteria provided, single submitter. Criteria: Invitae Variant Classification Sherloc (09022015). Collection method: clinical testing. Allele origin: germline.
Comment: This sequence change replaces glycine, which is neutral and non-polar, with arginine, which is basic and polar, at codon 511 of the ITGAM protein (p.Gly511Arg). This variant is present in population databases (rs565499043, gnomAD 0.007%). This variant has not been reported in the literature in individuals affected with ITGAM-related conditions. ClinVar contains an entry for this variant (Variation ID: 2084776). An algorithm developed to predict the effect of missense changes on protein structure and function (PolyPhen-2) suggests that this variant is likely to be disruptive. Algorithms developed to predict the effect of sequence changes on RNA splicing suggest that this variant may disrupt the consensus splice site. In summary, the available evidence is currently insufficient to determine the role of this variant in disease. Therefore, it has been classified as a Variant of Uncertain Significance.